The following is an entry in ClinVar:

ClinVar aggregate classification (germline): Uncertain significance. Review status: criteria provided, multiple submitters, no conflicts (2 of 4 stars). 2 submissions from 2 submitters: Uncertain significance (2). Last evaluated 2025-10-22.

Conditions:
Inborn genetic diseases. Identifiers: MedGen C0950123, MeSH D030342.

gnomAD v4.1: 5 of 1,613,936 alleles (0.00031%); highest among the groups gnomAD compares: Admixed American, 0.0033%; no homozygotes.

Submissions (2):

Ambry Genetics
Classification: Uncertain significance for Inborn genetic diseases. Last evaluated: 2025-10-22. Review status: criteria provided, single submitter. Criteria: Ambry Variant Classification Scheme 2023. Collection method: clinical testing. Allele origin: germline.

Labcorp Genetics (formerly Invitae), Labcorp
Classification: Uncertain significance. Last evaluated: 2025-06-22. Review status: criteria provided, single submitter. Criteria: Invitae Variant Classification Sherloc (09022015). Collection method: clinical testing. Allele origin: germline.
Comment: This sequence change replaces glycine, which is neutral and non-polar, with serine, which is neutral and polar, at codon 493 of the OBSL1 protein (p.Gly493Ser). This variant is present in population databases (no rsID available, gnomAD 0.009%). This variant has not been reported in the literature in individuals affected with OBSL1-related conditions. An algorithm developed to predict the effect of missense changes on protein structure and function (PolyPhen-2) suggests that this variant is likely to be disruptive. In summary, the available evidence is currently insufficient to determine the role of this variant in disease. Therefore, it has been classified as a Variant of Uncertain Significance.

NM_015311.3(OBSL1):c.1477G>A (p.Gly493Ser)

Gene: OBSL1 (obscurin like cytoskeletal adaptor 1; minus strand). Cytogenetic location: 2q35.
Variant type: single nucleotide variant.
Coding change: c.1477G>A on transcript NM_015311.3 (MANE Select); coding-DNA position 1477, G replaced by A.
Protein change: p.Gly493Ser; replaces glycine 493 with serine.
Molecular consequence: missense variant.
Genome position (GRCh38, 1-based): chr2:219,567,775, C>T on the plus strand (G>A on the coding strand, the complement: OBSL1 is on the minus strand). VCF-style: chr2-219567775-C-T. GRCh37 (hg19) VCF-style: chr2-220432497-C-T.
Other names: c.1477G>A, p.Gly493Ser (NM_001173408.2, NM_001173431.2); short protein forms G493S.
Identifiers: ClinVar variation 4626623 (VCV004626623.2).